The following is an entry in ClinVar:

ClinVar aggregate classification (germline): Uncertain significance (1 of 4 stars; one submission).

Submission:

Labcorp Genetics (formerly Invitae), Labcorp
Classification: Uncertain significance. Last evaluated: 2022-04-26. Review status: criteria provided, single submitter. Criteria: Invitae Variant Classification Sherloc (09022015). Collection method: clinical testing. Allele origin: germline.
Comment: In summary, the available evidence is currently insufficient to determine the role of this variant in disease. Therefore, it has been classified as a Variant of Uncertain Significance. Algorithms developed to predict the effect of missense changes on protein structure and function (SIFT, PolyPhen-2, Align-GVGD) all suggest that this variant is likely to be tolerated. This variant has not been reported in the literature in individuals affected with DIP2C-related conditions. The frequency data for this variant in the population databases is considered unreliable, as metrics indicate poor data quality at this position in the gnomAD database. This sequence change replaces alanine, which is neutral and non-polar, with glycine, which is neutral and non-polar, at codon 193 of the DIP2C protein (p.Ala193Gly).

NM_014974.3(DIP2C):c.578C>G (p.Ala193Gly)

Gene: DIP2C (DIP2 acetate--CoA ligase C (putative); minus strand). Cytogenetic location: 10p15.3.
Variant type: single nucleotide variant.
Coding change: c.578C>G on transcript NM_014974.3 (MANE Select); coding-DNA position 578, C replaced by G.
Protein change: p.Ala193Gly; replaces alanine 193 with glycine.
Molecular consequence: missense variant.
Genome position (GRCh38, 1-based): chr10:422,850, G>C on the plus strand (C>G on the coding strand, the complement: DIP2C is on the minus strand). VCF-style: chr10-422850-G-C. GRCh37 (hg19) VCF-style: chr10-468790-G-C.
Other names: short protein forms A193G.
Identifiers: ClinVar variation 1373140 (VCV001373140.6), dbSNP rs112656020, ClinGen allele CA5381301.